The following is an entry in ClinVar:

NM_002564.4(P2RY2):c.50A>G (p.Asp17Gly)

Gene: P2RY2 (purinergic receptor P2Y2; plus strand). Cytogenetic location: 11q13.4.
Variant type: single nucleotide variant.
Coding change: c.50A>G on transcript NM_002564.4 (MANE Select); coding-DNA position 50, A replaced by G.
Protein change: p.Asp17Gly; replaces aspartic acid 17 with glycine.
Molecular consequence: missense variant.
Genome position (GRCh38, 1-based): chr11:73,234,209, A>G. VCF-style: chr11-73234209-A-G. GRCh37 (hg19) VCF-style: chr11-72945254-A-G.
Other names: c.50A>G, p.Asp17Gly (NM_176071.3, NM_176072.3); short protein forms D17G.
Identifiers: ClinVar variation 2642132 (VCV002642132.24), dbSNP rs117372847, ClinGen allele CA6176138.

ClinVar aggregate classification (germline): Likely benign (1 of 4 stars; one submission).

Allele frequency attached by ClinVar (database versions not stated): ESP Exome Variant Server 0.00593; gnomAD exomes 0.00594; 1000 Genomes Project 0.00240; 1000 Genomes Project 30x 0.00312; TOPMed 0.00468; ExAC 0.00528; gnomAD 0.00557.
gnomAD v4.1: 9,555 of 1,613,886 alleles (0.59%); highest among the groups gnomAD compares: Non-Finnish European, 0.63%; 63 homozygotes.

Submission:

CeGaT Center for Human Genetics Tuebingen
Classification: Likely benign. Last evaluated: 2023-01-01. Review status: criteria provided, single submitter. Criteria: CeGaT Center For Human Genetics Tuebingen Variant Classification Criteria Version 2. Collection method: clinical testing. Allele origin: germline. Affected: yes. Observed: 1 variant allele.
Comment: P2RY2: BP4, BS2